The following is an entry in ClinVar:

ClinVar aggregate classification (germline): Uncertain significance (1 of 4 stars; one submission).

Submission:

ARUP Laboratories, Molecular Genetics and Genomics, ARUP Laboratories
Classification: Uncertain significance. Last evaluated: 2021-04-19. Review status: criteria provided, single submitter. Criteria: ARUP Molecular Germline Variant Investigation Process 2021. Collection method: clinical testing. Allele origin: germline.
Comment: The TTN c.69220T>A; p.Ser23074Thr variant is rare in the general population (<0.2% allele frequency in the Genome Aggregation Database) and has not been reported in the medical literature in association with dilated cardiomyopathy (DCM) or other TTN-related disease. The clinical relevance of rare missense variants in this gene, which are identified on average once per individual sequenced in affected populations (Herman 2012), is not well understood. Yet, evidence suggests that the vast majority of such missense variants do not contribute to the clinical outcome of DCM (Begay 2015). Thus, the clinical significance of the p.Ser23074Thr variant cannot be determined with certainty. References: Begay RL et al. Role of Titin Missense Variants in Dilated Cardiomyopathy. J Am Heart Assoc. 2015 Nov 13;4(11). Herman DS et al. Truncations of titin causing dilated cardiomyopathy. N Engl J Med. 2012 Feb 16;366(7):619-28. Linke WA and Hamdani N. Gigantic business: titin properties and function through thick and thin. Circ Res 2014; 114(6): 1052-1068.

NM_001267550.2(TTN):c.69220T>A (p.Ser23074Thr)

Genes: TTN (titin; minus strand), TTN-AS1 (TTN antisense RNA 1; plus strand). Cytogenetic location: 2q31.2.
Variant type: single nucleotide variant.
Coding change: c.69220T>A on transcript NM_001267550.2 (MANE Select); coding-DNA position 69220, T replaced by A.
Protein change: p.Ser23074Thr; replaces serine 23074 with threonine.
Molecular consequence: missense variant.
Genome position (GRCh38, 1-based): chr2:178,577,115, A>T on the plus strand (T>A on the coding strand, the complement: TTN is on the minus strand). VCF-style: chr2-178577115-A-T. GRCh37 (hg19) VCF-style: chr2-179441842-A-T.
Other names: c.64297T>A, p.Ser21433Thr (NM_001256850.1); c.42025T>A, p.Ser14009Thr (NM_003319.4); c.61516T>A, p.Ser20506Thr (NM_133378.4); c.42400T>A, p.Ser14134Thr (NM_133432.3); c.42601T>A, p.Ser14201Thr (NM_133437.4); short protein forms S14009T, S14134T, S14201T, S20506T, S21433T, S23074T.
Identifiers: ClinVar variation 1330963 (VCV001330963.7), dbSNP rs2154173545, ClinGen allele CA349669551.
Genomic context (GRCh38, chr2:178,577,115, plus strand): 5'-TATCTTCAGAAACCACTGTCCACAAAAGTCGGCTGGTTTCTCTCTTTTCAAGTATATAGG[A>T]CTTAATTGGTGAGCCGCCATCTTCCAAGGGAGGTGTCCATGTAAGTGTTGCTTTTTCAGC-3'
Protein context (NP_001254479.2, residues 23064-23084): PLEDGGSPIK[Ser23074Thr]YILEKRETSR